The following is an entry in ClinVar:

NM_020041.3(SLC2A9):c.410+211C>T

Genes: SLC2A9 (solute carrier family 2 member 9; minus strand), SLC2A9-AS1 (SLC2A9 antisense RNA 1; plus strand). Cytogenetic location: 4p16.1.
Variant type: single nucleotide variant.
Coding change: c.410+211C>T on transcript NM_020041.3 (MANE Select); 211 bases into the intron after coding-DNA position 410, C replaced by T.
Molecular consequence: intron variant.
Genome position (GRCh38, 1-based): chr4:9,996,570, G>A on the plus strand (C>T on the coding strand, the complement: SLC2A9 is on the minus strand). VCF-style: chr4-9996570-G-A. GRCh37 (hg19) VCF-style: chr4-9998194-G-A.
Other names: c.323+211C>T (NM_001001290.2).
Identifiers: ClinVar variation 1697108 (VCV001697108.2), dbSNP rs558711638, ClinGen allele CA92198093.

ClinVar aggregate classification (germline): Likely benign (1 of 4 stars; one submission).

Allele frequency attached by ClinVar (database versions not stated): 1000 Genomes Project 30x 0.00062; 1000 Genomes Project 0.00080; TOPMed 0.00167; gnomAD 0.00254 and 0.00259.
gnomAD v4.1: 358 of 143,212 alleles (0.25%); highest among the groups gnomAD compares: Admixed American, 0.32%; 1 homozygote.

Submission:

GeneDx
Classification: Likely benign. Last evaluated: 2022-01-17. Review status: criteria provided, single submitter. Criteria: GeneDx Variant Classification Process June 2021. Collection method: clinical testing. Allele origin: germline. Affected: yes.
Comment: See Variant Classification Assertion Criteria.